The following is an entry in ClinVar:

NM_015192.4(PLCB1):c.1742A>G (p.Lys581Arg)

Gene: PLCB1 (phospholipase C beta 1; plus strand). Cytogenetic location: 20p12.3.
Variant type: single nucleotide variant.
Coding change: c.1742A>G on transcript NM_015192.4 (MANE Select); coding-DNA position 1742, A replaced by G.
Protein change: p.Lys581Arg; replaces lysine 581 with arginine.
Molecular consequence: missense variant.
Genome position (GRCh38, 1-based): chr20:8,727,372, A>G. VCF-style: chr20-8727372-A-G. GRCh37 (hg19) VCF-style: chr20-8708019-A-G.
Other names: c.1742A>G, p.Lys581Arg (NM_182734.3); short protein forms K581R.
Identifiers: ClinVar variation 578737 (VCV000578737.8), dbSNP rs1568574949, ClinGen allele CA408204178.

ClinVar aggregate classification (germline): Uncertain significance (1 of 4 stars; one submission).

Conditions:
Developmental and epileptic encephalopathy, 12 (DEE12). Identifiers: MedGen C3150988, MONDO:0013389, OMIM 613722.

Allele frequency attached by ClinVar (database versions not stated): gnomAD 0.00001.

Submission:

Labcorp Genetics (formerly Invitae), Labcorp
Classification: Uncertain significance for Developmental and epileptic encephalopathy, 12. Last evaluated: 2023-10-03. Review status: criteria provided, single submitter. Criteria: Invitae Variant Classification Sherloc (09022015). Collection method: clinical testing. Allele origin: germline.
Comment: This sequence change replaces lysine, which is basic and polar, with arginine, which is basic and polar, at codon 581 of the PLCB1 protein (p.Lys581Arg). This variant is not present in population databases (gnomAD no frequency). This variant has not been reported in the literature in individuals affected with PLCB1-related conditions. ClinVar contains an entry for this variant (Variation ID: 578737). Advanced modeling of protein sequence and biophysical properties (such as structural, functional, and spatial information, amino acid conservation, physicochemical variation, residue mobility, and thermodynamic stability) performed at Invitae indicates that this missense variant is expected to disrupt PLCB1 protein function. In summary, the available evidence is currently insufficient to determine the role of this variant in disease. Therefore, it has been classified as a Variant of Uncertain Significance.